The following is an entry in ClinVar:

NM_001267550.2(TTN):c.95279G>A (p.Gly31760Asp)

Genes: TTN (titin; minus strand), TTN-AS1 (TTN antisense RNA 1; plus strand). Cytogenetic location: 2q31.2.
Variant type: single nucleotide variant.
Coding change: c.95279G>A on transcript NM_001267550.2 (MANE Select); coding-DNA position 95279, G replaced by A.
Protein change: p.Gly31760Asp; replaces glycine 31760 with aspartic acid.
Molecular consequence: missense variant.
Genome position (GRCh38, 1-based): chr2:178,545,957, C>T on the plus strand (G>A on the coding strand, the complement: TTN is on the minus strand). VCF-style: chr2-178545957-C-T. GRCh37 (hg19) VCF-style: chr2-179410684-C-T.
Other names: c.90356G>A, p.Gly30119Asp (NM_001256850.1); c.68084G>A, p.Gly22695Asp (NM_003319.4); c.87575G>A, p.Gly29192Asp (NM_133378.4); c.68459G>A, p.Gly22820Asp (NM_133432.3); c.68660G>A, p.Gly22887Asp (NM_133437.4); short protein forms G29192D, G22695D, G22820D, G22887D, G31760D, G30119D.
Identifiers: ClinVar variation 1521564 (VCV001521564.6), dbSNP rs1696902914, ClinGen allele CA349463285.

ClinVar aggregate classification (germline): Uncertain significance (1 of 4 stars; one submission).

Conditions:
Dilated cardiomyopathy 1G (CMD1G). Identifiers: Orphanet 154, MedGen C1858763, MONDO:0011400, OMIM 604145.
Autosomal recessive limb-girdle muscular dystrophy type 2J (LGMDR10). Also called: Limb-girdle muscular dystrophy, type 2J; MUSCULAR DYSTROPHY, LIMB-GIRDLE, AUTOSOMAL RECESSIVE 10. Identifiers: Orphanet 140922, MedGen C1837342, MONDO:0012127, OMIM 608807.

Submission:

Labcorp Genetics (formerly Invitae), Labcorp
Classification: Uncertain significance for Dilated cardiomyopathy 1G; Autosomal recessive limb-girdle muscular dystrophy type 2J. Last evaluated: 2021-09-27. Review status: criteria provided, single submitter. Criteria: Invitae Variant Classification Sherloc (09022015). Collection method: clinical testing. Allele origin: germline.
Comment: In summary, the available evidence is currently insufficient to determine the role of this variant in disease. Therefore, it has been classified as a Variant of Uncertain Significance. Algorithms developed to predict the effect of missense changes on protein structure and function output the following: SIFT: "Not Available"; PolyPhen-2: "Not Available"; Align-GVGD: "Not Available". The aspartic acid amino acid residue is found in multiple mammalian species, which suggests that this missense change does not adversely affect protein function. This variant has not been reported in the literature in individuals affected with TTN-related conditions. This variant is not present in population databases (ExAC no frequency). This sequence change replaces glycine with aspartic acid at codon 31760 of the TTN protein (p.Gly31760Asp). There is a moderate physicochemical difference between glycine and aspartic acid. This variant is located in the A band of TTN (PMID: 25589632). Variants in this region may be relevant for cardiac or neuromuscular disorders (PMID: 25589632, 23975875).

Literature cited by the submitters: PubMed 25589632; PubMed 23975875.